The following is an entry in ClinVar:

ClinVar aggregate classification (germline): Pathogenic (1 of 4 stars; one submission).

Conditions:
Autosomal recessive limb-girdle muscular dystrophy. Identifiers: Orphanet 102015, MedGen C2931907, MONDO:0015152.

Submission:

Myriad Genetics, Inc.
Classification: Pathogenic for Autosomal recessive limb-girdle muscular dystrophy. Last evaluated: 2023-09-27. Review status: criteria provided, single submitter. Criteria: Myriad Autosomal Dominant, Autosomal Recessive and X-Linked Classification Criteria (2023). Collection method: clinical testing. Allele origin: unknown.
Comment: NM_003494.3(DYSF):c.3071dupC(K1025Efs*7) is expected to be pathogenic in the context of dysferlinopathy. This variant is predicted to lead to an abnormal or absent protein product due to the creation of a premature termination codon in DYSF, a gene where loss-of-function variants are known to be pathogenic. Please note: this variant was assessed in the context of healthy population screening.

NM_001130987.2(DYSF):c.3125dup (p.Lys1043fs)

Gene: DYSF (dysferlin; plus strand). Cytogenetic location: 2p13.2.
Variant type: Duplication.
Coding change: c.3125dup on transcript NM_001130987.2 (MANE Select); coding-DNA position 3125, one base duplicated (C; older notation c.3125dupC).
Protein change: p.Lys1043fs; shifts the reading frame from lysine 1043.
Molecular consequence: frameshift variant.
Genome position (GRCh38, 1-based): chr2:71,570,638, C duplicated; the last of 2 consecutive C bases (chr2:71,570,637-71,570,638); duplicating either gives the same sequence. VCF-style (leftmost placement, unchanged base first): chr2-71570636-G-GC. GRCh37 (hg19) VCF-style: chr2-71797766-G-GC.
Other names: c.3074dup, p.Lys1026fs (NM_001130455.2, NM_001130983.2); c.3029dup, p.Lys1011fs (NM_001130976.2, NM_001130977.2); c.3071dup, p.Lys1025fs (NM_001130978.2, NM_003494.4); c.3164dup, p.Lys1056fs (NM_001130979.2); c.3122dup, p.Lys1042fs (NM_001130980.2, NM_001130981.2); c.3167dup, p.Lys1057fs (NM_001130982.2); c.3032dup, p.Lys1012fs (NM_001130984.2, NM_001130986.2); c.3125dup, p.Lys1043fs (NM_001130985.2); short protein forms K1011fs, K1012fs, K1025fs, K1026fs, K1042fs, K1043fs, K1056fs, K1057fs.
Identifiers: ClinVar variation 5012112 (VCV005012112.1).